The following is an entry in ClinVar:

ClinVar aggregate classification (germline): Likely benign. Review status: criteria provided, multiple submitters, no conflicts (2 of 4 stars). 3 submissions from 3 submitters: Likely benign (3). Last evaluated 2025-01-20.

Conditions:
Cardiovascular phenotype. Identifiers: MedGen CN230736.

Allele frequency attached by ClinVar (database versions not stated): gnomAD 0.00001; TOPMed 0.00002.
gnomAD v4.1: 16 of 1,611,202 alleles (0.00099%); highest among the groups gnomAD compares: East Asian, 0.0022%; no homozygotes.

Submissions (3):

Mayo Clinic Laboratories, Mayo Clinic
Classification: Likely benign. Last evaluated: 2025-01-20. Review status: criteria provided, single submitter. Criteria: ACMG Guidelines, 2015. Collection method: clinical testing. Allele origin: germline. Observed: 1 variant allele.
Comment: BP4, BP7, PM2_supporting

CeGaT Center for Human Genetics Tuebingen
Classification: Likely benign. Last evaluated: 2023-05-01. Review status: criteria provided, single submitter. Criteria: CeGaT Center For Human Genetics Tuebingen Variant Classification Criteria Version 2. Collection method: clinical testing. Allele origin: germline. Affected: yes. Observed: 1 variant allele.
Comment: TNXB: BP4, BP7

Ambry Genetics
Classification: Likely benign for Cardiovascular phenotype. Last evaluated: 2023-03-08. Review status: criteria provided, single submitter. Criteria: Ambry Variant Classification Scheme 2023. Collection method: clinical testing. Allele origin: germline.

NM_001365276.2(TNXB):c.8811C>T (p.Pro2937=)

Gene: TNXB (tenascin XB; minus strand). Cytogenetic location: 6p21.33.
Variant type: single nucleotide variant.
Coding change: c.8811C>T on transcript NM_001365276.2 (MANE Select); coding-DNA position 8811, C replaced by T.
Protein change: p.Pro2937=; no amino-acid change (proline 2937 retained).
Molecular consequence: synonymous variant.
Genome position (GRCh38, 1-based): chr6:32,052,974, G>A on the plus strand (C>T on the coding strand, the complement: TNXB is on the minus strand). VCF-style: chr6-32052974-G-A. GRCh37 (hg19) VCF-style: chr6-32020751-G-A.
Other names: p.Pro2935=; c.8805C>T, p.Pro2935= (NM_019105.8).
Identifiers: ClinVar variation 2451203 (VCV002451203.30), dbSNP rs878914056, ClinGen allele CA136902999.